The following is an entry in ClinVar:

ClinVar aggregate classification (germline): Uncertain significance (1 of 4 stars; one submission).

Submission:

GeneDx
Classification: Uncertain significance. Last evaluated: 2024-08-14. Review status: criteria provided, single submitter. Criteria: GeneDx Variant Classification Process June 2021. Collection method: clinical testing. Allele origin: germline. Affected: yes.
Comment: Not observed at significant frequency in large population cohorts (gnomAD); In silico analysis indicates that this missense variant does not alter protein structure/function; Has not been previously published as pathogenic or benign to our knowledge

NM_182943.3(PLOD2):c.736G>C (p.Glu246Gln)

Gene: PLOD2 (procollagen-lysine,2-oxoglutarate 5-dioxygenase 2; minus strand). Cytogenetic location: 3q24.
Variant type: single nucleotide variant.
Coding change: c.736G>C on transcript NM_182943.3 (MANE Select); coding-DNA position 736, G replaced by C.
Protein change: p.Glu246Gln; replaces glutamic acid 246 with glutamine.
Molecular consequence: missense variant.
Genome position (GRCh38, 1-based): chr3:146,102,796, C>G on the plus strand (G>C on the coding strand, the complement: PLOD2 is on the minus strand). VCF-style: chr3-146102796-C-G. GRCh37 (hg19) VCF-style: chr3-145820583-C-G.
Other names: c.736G>C, p.Glu246Gln (NM_000935.3); short protein forms E246Q.
Identifiers: ClinVar variation 3731152 (VCV003731152.1).
Genomic context (GRCh38, chr3:146,102,796, plus strand): 5'-AAAAGTAACTGTTACTTACCTTGGTGGGTCCATTTCCATTAATTGCCACTGGTAATGTTT[C>G]ATAAAATGTATTCTTAGCTCTGGCTTTGCCATTTTCAAATTTTAAAACAACTTCATCTGG-3'
Protein context (NP_891988.1, residues 236-256): GKARAKNTFY[Glu246Gln]TLPVAINGNG